The following is an entry in ClinVar:

NM_002225.5(IVD):c.710C>T (p.Ser237Phe)

Gene: IVD (isovaleryl-CoA dehydrogenase; plus strand). Cytogenetic location: 15q15.1.
Variant type: single nucleotide variant.
Coding change: c.710C>T on transcript NM_002225.5 (MANE Select); coding-DNA position 710, C replaced by T.
Protein change: p.Ser237Phe; replaces serine 237 with phenylalanine.
Molecular consequence: missense variant. On other transcripts: non-coding transcript variant (1).
Genome position (GRCh38, 1-based): chr15:40,413,013, C>T. VCF-style: chr15-40413013-C-T. GRCh37 (hg19) VCF-style: chr15-40705212-C-T.
Other names: c.620C>T, p.Ser207Phe (NM_001159508.3); c.662C>T, p.Ser221Phe (NM_001354597.3); c.710C>T, p.Ser237Phe (NM_001354598.3, NM_001354601.3); c.797C>T, p.Ser266Phe (NM_001354599.3, NM_001354600.3); short protein forms S207F, S221F, S237F, S266F.
Identifiers: ClinVar variation 1027081 (VCV001027081.10), dbSNP rs1891244554, ClinGen allele CA391718747.
Genomic context (GRCh38, chr15:40,413,013, plus strand): 5'-TAATCTGTAACCAGGACCACCTTTTGTTTCCTGTAAAGGGTATGCCTGGCTTTAGCACCT[C>T]TAAGAAGCTGGACAAGCTGGGGATGAGGGGCTCTAACACCTGTGAGCTAATCTTTGAAGA-3'
Protein context (NP_002216.3, residues 227-247): VEKGMPGFST[Ser237Phe]KKLDKLGMRG

ClinVar aggregate classification (germline): Uncertain significance. Review status: criteria provided, single submitter (1 of 4 stars). 2 submissions from 2 submitters: Uncertain significance (1). 1 of the submissions does not count toward it. Last evaluated 2022-02-04.

Conditions:
Isovaleryl-CoA dehydrogenase deficiency (IVA). Also called: ISOVALERIC ACID CoA DEHYDROGENASE DEFICIENCY; IVD DEFICIENCY; Classic Isovaleric Acidemia; Isovaleric acidemia. Identifiers: Orphanet 33, MedGen C0268575, MONDO:0009475, OMIM 243500.

Allele frequency attached by ClinVar (database versions not stated): TOPMed below 0.00001; gnomAD 0.00001.
gnomAD v4.1: 1 of 1,613,978 alleles (0.000062%); no homozygotes.

Submissions (2):

Labcorp Genetics (formerly Invitae), Labcorp
Classification: Uncertain significance for Isovaleryl-CoA dehydrogenase deficiency. Last evaluated: 2022-02-04. Review status: criteria provided, single submitter. Criteria: Invitae Variant Classification Sherloc (09022015). Collection method: clinical testing. Allele origin: germline.
Comment: This sequence change replaces serine, which is neutral and polar, with phenylalanine, which is neutral and non-polar, at codon 240 of the IVD protein (p.Ser240Phe). This variant is not present in population databases (gnomAD no frequency). This variant has not been reported in the literature in individuals affected with IVD-related conditions. ClinVar contains an entry for this variant (Variation ID: 1027081). Algorithms developed to predict the effect of missense changes on protein structure and function are either unavailable or do not agree on the potential impact of this missense change (SIFT: "Deleterious"; PolyPhen-2: "Benign"; Align-GVGD: "Class C15"). In summary, the available evidence is currently insufficient to determine the role of this variant in disease. Therefore, it has been classified as a Variant of Uncertain Significance.

Natera, Inc.
Classification: Uncertain significance for Isovaleryl-coa dehydrogenase deficiency. Last evaluated: 2019-11-20. Review status: no assertion criteria provided. Collection method: clinical testing. Allele origin: germline. Not counted in ClinVar's aggregate classification.